The following is an entry in ClinVar:

NM_001164508.2(NEB):c.25564G>T (p.Val8522Phe)

Genes: NEB (nebulin; minus strand), RIF1 (replication timing regulatory factor 1; plus strand). Cytogenetic location: 2q23.3.
Variant type: single nucleotide variant.
Coding change: c.25564G>T on transcript NM_001164508.2 (MANE Select); coding-DNA position 25564, G replaced by T.
Protein change: p.Val8522Phe; replaces valine 8522 with phenylalanine.
Molecular consequence: missense variant.
Genome position (GRCh38, 1-based): chr2:151,485,774, C>A on the plus strand (G>T on the coding strand, the complement: NEB is on the minus strand). VCF-style: chr2-151485774-C-A. GRCh37 (hg19) VCF-style: chr2-152342288-C-A.
Other names: c.25564G>T, p.Val8522Phe (NM_001164507.2); c.25669G>T, p.Val8557Phe (NM_001271208.2); c.19996G>T, p.Val6666Phe (NM_004543.5); short protein forms V6666F, V8557F, V8522F.
Identifiers: ClinVar variation 1501709 (VCV001501709.8), dbSNP rs117861109, ClinGen allele CA348769553.

ClinVar aggregate classification (germline): Uncertain significance (1 of 4 stars; one submission).

Conditions:
Nemaline myopathy 2 (NEM2). Also called: Nemaline myopathy 2, autosomal recessive. Identifiers: MedGen C1850569, MONDO:0009725, OMIM 256030.

Submission:

Labcorp Genetics (formerly Invitae), Labcorp
Classification: Uncertain significance for Nemaline myopathy 2. Last evaluated: 2020-11-20. Review status: criteria provided, single submitter. Criteria: Invitae Variant Classification Sherloc (09022015). Collection method: clinical testing. Allele origin: germline.
Comment: This sequence change replaces valine with phenylalanine at codon 8557 of the NEB protein (p.Val8557Phe). The valine residue is moderately conserved and there is a small physicochemical difference between valine and phenylalanine. This variant is not present in population databases (ExAC no frequency). This variant has not been reported in the literature in individuals with NEB-related conditions. Algorithms developed to predict the effect of missense changes on protein structure and function are either unavailable or do not agree on the potential impact of this missense change (SIFT: "Deleterious"; PolyPhen-2: "Not Available"; Align-GVGD: "Class C0"). In summary, the available evidence is currently insufficient to determine the role of this variant in disease. Therefore, it has been classified as a Variant of Uncertain Significance.